The following is an entry in ClinVar:

ClinVar aggregate classification (germline): Uncertain significance. Review status: criteria provided, multiple submitters, no conflicts (2 of 4 stars). 2 submissions from 2 submitters: Uncertain significance (2). Last evaluated 2023-10-13.

gnomAD v4.1: 1 of 1,613,752 alleles (0.000062%); no homozygotes.

Submissions (2):

Labcorp Genetics (formerly Invitae), Labcorp
Classification: Uncertain significance. Last evaluated: 2023-10-13. Review status: criteria provided, single submitter. Criteria: Invitae Variant Classification Sherloc (09022015). Collection method: clinical testing. Allele origin: germline.
Comment: This sequence change replaces threonine, which is neutral and polar, with isoleucine, which is neutral and non-polar, at codon 5298 of the ADGRV1 protein (p.Thr5298Ile). This variant is not present in population databases (gnomAD no frequency). This variant has not been reported in the literature in individuals affected with ADGRV1-related conditions. ClinVar contains an entry for this variant (Variation ID: 505992). Advanced modeling of protein sequence and biophysical properties (such as structural, functional, and spatial information, amino acid conservation, physicochemical variation, residue mobility, and thermodynamic stability) performed at Invitae indicates that this missense variant is not expected to disrupt ADGRV1 protein function. In summary, the available evidence is currently insufficient to determine the role of this variant in disease. Therefore, it has been classified as a Variant of Uncertain Significance.

Laboratory for Molecular Medicine, Mass General Brigham Personalized Medicine
Classification: Uncertain significance. Last evaluated: 2017-08-30. Review status: criteria provided, single submitter. Criteria: LMM Criteria. Collection method: clinical testing. Allele origin: germline. Observed: 1 variant allele.
Comment: The p.Thr5298Ile variant in GPR98 has not been previously reported in individual s with hearing loss or Usher syndrome and was absent from large population studi es. Computational prediction tools and conservation analysis suggest that this v ariant may not impact the protein, though this information in not predictive eno ugh to rule out pathogenicity. In summary, the clinical significance of the p.Th r5298Ile variant is uncertain.

NM_032119.4(ADGRV1):c.15893C>T (p.Thr5298Ile)

Gene: ADGRV1 (adhesion G protein-coupled receptor V1; plus strand). Cytogenetic location: 5q14.3.
Variant type: single nucleotide variant.
Coding change: c.15893C>T on transcript NM_032119.4 (MANE Select); coding-DNA position 15893, C replaced by T.
Protein change: p.Thr5298Ile; replaces threonine 5298 with isoleucine.
Molecular consequence: missense variant. On other transcripts: non-coding transcript variant (1).
Genome position (GRCh38, 1-based): chr5:90,811,153, C>T. VCF-style: chr5-90811153-C-T. GRCh37 (hg19) VCF-style: chr5-90106970-C-T.
Other names: short protein forms T5298I.
Identifiers: ClinVar variation 505992 (VCV000505992.13), dbSNP rs369030097, ClinGen allele CA122822186.